The following is an entry in ClinVar:

NM_017514.5(PLXNA3):c.2721G>A (p.Pro907=)

Gene: PLXNA3 (plexin A3; plus strand). Cytogenetic location: Xq28.
Variant type: single nucleotide variant.
Coding change: c.2721G>A on transcript NM_017514.5 (MANE Select); coding-DNA position 2721, G replaced by A.
Protein change: p.Pro907=; no amino-acid change (proline 907 retained).
Molecular consequence: synonymous variant.
Genome position (GRCh38, 1-based): chrX:154,466,192, G>A. VCF-style: chrX-154466192-G-A. GRCh37 (hg19) VCF-style: chrX-153694535-G-A.
Identifiers: ClinVar variation 3054452 (VCV003054452.2), dbSNP rs145476494, ClinGen allele CA10564462.

ClinVar aggregate classification (germline): Likely benign (0 of 4 stars; one submission).

Conditions:
PLXNA3-related disorder. Also called: PLXNA3-related condition.

gnomAD v4.1: 7 of 1,208,609 alleles (0.00058%); highest among the groups gnomAD compares: Middle Eastern, 0.024%; no homozygotes.

Submission:

PreventionGenetics, part of Exact Sciences
Classification: Likely benign for PLXNA3-related condition. Last evaluated: 2022-07-05. Review status: no assertion criteria provided. Collection method: clinical testing. Allele origin: germline.
Comment: This variant is classified as likely benign based on ACMG/AMP sequence variant interpretation guidelines (Richards et al. 2015 PMID: 25741868, with internal and published modifications).